The following is an entry in ClinVar:

NM_005911.6(MAT2A):c.1058T>C (p.Phe353Ser)

Genes: GGCX (gamma-glutamyl carboxylase; minus strand), MAT2A (methionine adenosyltransferase 2A; plus strand). Cytogenetic location: 2p11.2.
Variant type: single nucleotide variant.
Coding change: c.1058T>C on transcript NM_005911.6 (MANE Select); coding-DNA position 1058, T replaced by C.
Protein change: p.Phe353Ser; replaces phenylalanine 353 with serine.
Molecular consequence: missense variant.
Genome position (GRCh38, 1-based): chr2:85,543,007, T>C. VCF-style: chr2-85543007-T-C. GRCh37 (hg19) VCF-style: chr2-85770130-T-C.
Other names: short protein forms F353S.
Identifiers: ClinVar variation 3693333 (VCV003693333.2).

ClinVar aggregate classification (germline): Uncertain significance (1 of 4 stars; one submission).

Conditions:
Familial thoracic aortic aneurysm and aortic dissection (TAAD). Also called: Thoracic aortic aneurysms and dissections. Identifiers: Orphanet 91387, MedGen C4707243, MONDO:0019625.

Submission:

Labcorp Genetics (formerly Invitae), Labcorp
Classification: Uncertain significance for Familial thoracic aortic aneurysm and aortic dissection. Last evaluated: 2024-06-01. Review status: criteria provided, single submitter. Criteria: Invitae Variant Classification Sherloc (09022015). Collection method: clinical testing. Allele origin: germline.
Comment: This sequence change replaces phenylalanine, which is neutral and non-polar, with serine, which is neutral and polar, at codon 353 of the MAT2A protein (p.Phe353Ser). This variant is not present in population databases (gnomAD no frequency). This variant has not been reported in the literature in individuals affected with MAT2A-related conditions. Advanced modeling of protein sequence and biophysical properties (such as structural, functional, and spatial information, amino acid conservation, physicochemical variation, residue mobility, and thermodynamic stability) performed at Invitae indicates that this missense variant is expected to disrupt MAT2A protein function with a positive predictive value of 80%. In summary, the available evidence is currently insufficient to determine the role of this variant in disease. Therefore, it has been classified as a Variant of Uncertain Significance.